The following is an entry in ClinVar:

ClinVar aggregate classification (germline): Uncertain significance (1 of 4 stars; one submission).

Allele frequency attached by ClinVar (database versions not stated): TOPMed below 0.00001; gnomAD 0.00001; gnomAD exomes 0.00001.

Submission:

Labcorp Genetics (formerly Invitae), Labcorp
Classification: Uncertain significance. Last evaluated: 2023-12-24. Review status: criteria provided, single submitter. Criteria: Invitae Variant Classification Sherloc (09022015). Collection method: clinical testing. Allele origin: germline.
Comment: This sequence change replaces valine, which is neutral and non-polar, with methionine, which is neutral and non-polar, at codon 26 of the ALPK3 protein (p.Val26Met). This variant is present in population databases (no rsID available, gnomAD 0.0009%). This variant has not been reported in the literature in individuals affected with ALPK3-related conditions. An algorithm developed to predict the effect of missense changes on protein structure and function (PolyPhen-2) suggests that this variant is likely to be tolerated. In summary, the available evidence is currently insufficient to determine the role of this variant in disease. Therefore, it has been classified as a Variant of Uncertain Significance.

NC_000015.10:g.84816922G>A

Gene: ALPK3 (alpha kinase 3; plus strand). Cytogenetic location: 15q25.3.
Variant type: single nucleotide variant.
Genome position: GRCh38 VCF-style: chr15-84816922-G-A. GRCh37 (hg19) VCF-style: chr15-85360153-G-A.
Identifiers: ClinVar variation 2984341 (VCV002984341.3), dbSNP rs1322853284, ClinGen allele CA393368022.